The following is an entry in ClinVar:

NM_020207.7(ERCC6L2):c.22C>T (p.Pro8Ser)

Gene: ERCC6L2 (ERCC excision repair 6 like 2; plus strand). Cytogenetic location: 9q22.32.
Variant type: single nucleotide variant.
Coding change: c.22C>T on transcript NM_020207.7 (MANE Select); coding-DNA position 22, C replaced by T.
Protein change: p.Pro8Ser; replaces proline 8 with serine.
Molecular consequence: missense variant. On other transcripts: non-coding transcript variant (1).
Genome position (GRCh38, 1-based): chr9:95,876,060, C>T. VCF-style: chr9-95876060-C-T. GRCh37 (hg19) VCF-style: chr9-98638342-C-T.
Other names: c.22C>T, p.Pro8Ser (NM_001375293.1, NM_001375294.1, NM_001010895.4 and 2 more transcripts); short protein forms P8S.
Identifiers: ClinVar variation 4250612 (VCV004250612.1).
Genomic context (GRCh38, chr9:95,876,060, plus strand): 5'-TGTTACATGCAGCCGGGCTCGGCCCCTCCCCCTGGCCGGATGGATCCGTCGGCGCCACAG[C>T]CCCGCGCGGAAACCTCAGGCAAAGGTACCAGCTCCGCGCTCGCCCCTTACGCAGAGGCCT-3'
Protein context (NP_064592.3, residues 1-18): MDPSAPQ[Pro8Ser]RAETSGKDIW

ClinVar aggregate classification (germline): Uncertain significance (1 of 4 stars; one submission).

Conditions:
Inborn genetic diseases. Identifiers: MedGen C0950123, MeSH D030342.

gnomAD v4.1: 3 of 1,584,842 alleles (0.00019%); highest among the groups gnomAD compares: African/African-American, 0.0013%; no homozygotes.

Submission:

Ambry Genetics
Classification: Uncertain significance for Inborn genetic diseases. Last evaluated: 2025-08-02. Review status: criteria provided, single submitter. Criteria: Ambry Variant Classification Scheme 2023. Collection method: clinical testing. Allele origin: germline.
Comment: The p.P8S variant (also known as c.22C>T), located in coding exon 1 of the ERCC6L2 gene, results from a C to T substitution at nucleotide position 22. The proline at codon 8 is replaced by serine, an amino acid with similar properties. This amino acid position is conserved. In addition, this alteration is predicted to be tolerated by in silico analysis. Based on the available evidence, the clinical significance of this variant remains unclear.